The following is an entry in ClinVar:

NM_199355.4(ADAMTS18):c.2891T>C (p.Phe964Ser)

Gene: ADAMTS18 (ADAM metallopeptidase with thrombospondin type 1 motif 18; minus strand). Cytogenetic location: 16q23.1.
Variant type: single nucleotide variant.
Coding change: c.2891T>C on transcript NM_199355.4 (MANE Select); coding-DNA position 2891, T replaced by C.
Protein change: p.Phe964Ser; replaces phenylalanine 964 with serine.
Molecular consequence: missense variant.
Genome position (GRCh38, 1-based): chr16:77,295,038, A>G on the plus strand (T>C on the coding strand, the complement: ADAMTS18 is on the minus strand). VCF-style: chr16-77295038-A-G. GRCh37 (hg19) VCF-style: chr16-77328935-A-G.
Other names: c.2375T>C, p.Phe792Ser (NM_001326358.2); short protein forms F792S, F964S.
Identifiers: ClinVar variation 2050828 (VCV002050828.3), dbSNP rs778846417, ClinGen allele CA8180705.

ClinVar aggregate classification (germline): Uncertain significance (1 of 4 stars; one submission).

Allele frequency attached by ClinVar (database versions not stated): gnomAD exomes 0.00002; TOPMed below 0.00001; ExAC 0.00001; gnomAD 0.00001.
gnomAD v4.1: 10 of 1,614,034 alleles (0.00062%); highest among the groups gnomAD compares: Admixed American, 0.015%; no homozygotes.

Submission:

Labcorp Genetics (formerly Invitae), Labcorp
Classification: Uncertain significance. Last evaluated: 2024-02-24. Review status: criteria provided, single submitter. Criteria: Invitae Variant Classification Sherloc (09022015). Collection method: clinical testing. Allele origin: germline.
Comment: This sequence change replaces phenylalanine, which is neutral and non-polar, with serine, which is neutral and polar, at codon 964 of the ADAMTS18 protein (p.Phe964Ser). This variant is present in population databases (rs778846417, gnomAD 0.02%). This variant has not been reported in the literature in individuals affected with ADAMTS18-related conditions. ClinVar contains an entry for this variant (Variation ID: 2050828). An algorithm developed to predict the effect of missense changes on protein structure and function (PolyPhen-2) suggests that this variant is likely to be tolerated. In summary, the available evidence is currently insufficient to determine the role of this variant in disease. Therefore, it has been classified as a Variant of Uncertain Significance.